The following is an entry in ClinVar:

NM_022367.4(SEMA4A):c.810+5_810+6delinsAA

Gene: SEMA4A (semaphorin 4A; plus strand). Cytogenetic location: 1q22.
Variant type: Indel.
Coding change: c.810+5_810+6delinsAA on transcript NM_022367.4 (MANE Select); bases 5 to 6 of the intron after coding-DNA position 810, GC replaced by AA.
Molecular consequence: intron variant.
Genome position (GRCh38, 1-based): chr1:156,161,034-156,161,035, GC replaced by AA. VCF-style: chr1-156161034-GC-AA. GRCh37 (hg19) VCF-style: chr1-156130825-GC-AA.
Other names: c.303+5_303+6delinsAA (NM_001370571.1, NM_001370569.1); c.810+5_810+6delinsAA (NM_001193300.2, NM_001193301.2, NM_001370567.1); c.513+5_513+6delinsAA (NM_001370568.1); c.414+5_414+6delinsAA (NM_001193302.2).
Identifiers: ClinVar variation 1491158 (VCV001491158.6), dbSNP rs2102957462, ClinGen allele CA2573131210.

ClinVar aggregate classification (germline): Uncertain significance (1 of 4 stars; one submission).

Submission:

Labcorp Genetics (formerly Invitae), Labcorp
Classification: Uncertain significance. Last evaluated: 2023-11-27. Review status: criteria provided, single submitter. Criteria: Invitae Variant Classification Sherloc (09022015). Collection method: clinical testing. Allele origin: germline.
Comment: This sequence change falls in intron 8 of the SEMA4A gene. It does not directly change the encoded amino acid sequence of the SEMA4A protein. It affects a nucleotide within the consensus splice site. Information on the frequency of this variant in the gnomAD database is not available, as this variant may be reported differently in the database. This variant has not been reported in the literature in individuals affected with SEMA4A-related conditions. ClinVar contains an entry for this variant (Variation ID: 1491158). Variants that disrupt the consensus splice site are a relatively common cause of aberrant splicing (PMID: 17576681, 9536098). In summary, the available evidence is currently insufficient to determine the role of this variant in disease. Therefore, it has been classified as a Variant of Uncertain Significance.

Literature cited by the submitters: PubMed 17576681; PubMed 9536098.